The following is an entry in ClinVar:

NM_000541.5(SAG):c.732C>A (p.Phe244Leu)

Gene: SAG (S-antigen visual arrestin; plus strand). Cytogenetic location: 2q37.1.
Variant type: single nucleotide variant.
Coding change: c.732C>A on transcript NM_000541.5 (MANE Select); coding-DNA position 732, C replaced by A.
Protein change: p.Phe244Leu; replaces phenylalanine 244 with leucine.
Molecular consequence: missense variant.
Genome position (GRCh38, 1-based): chr2:233,329,576, C>A. VCF-style: chr2-233329576-C-A. GRCh37 (hg19) VCF-style: chr2-234238222-C-A.
Other names: short protein forms F244L.
Identifiers: ClinVar variation 1053448 (VCV001053448.8), dbSNP rs377600235, ClinGen allele CA2174499.

ClinVar aggregate classification (germline): Uncertain significance (1 of 4 stars; one submission).

Allele frequency attached by ClinVar (database versions not stated): gnomAD 0.00003 and 0.00004; ESP Exome Variant Server 0.00008; 1000 Genomes Project 0.00040; 1000 Genomes Project 30x 0.00047.
gnomAD v4.1: 16 of 1,599,554 alleles (0.001%); highest among the groups gnomAD compares: African/African-American, 0.02%; no homozygotes.

Submission:

Labcorp Genetics (formerly Invitae), Labcorp
Classification: Uncertain significance. Last evaluated: 2024-10-15. Review status: criteria provided, single submitter. Criteria: Invitae Variant Classification Sherloc (09022015). Collection method: clinical testing. Allele origin: germline.
Comment: This sequence change replaces phenylalanine, which is neutral and non-polar, with leucine, which is neutral and non-polar, at codon 244 of the SAG protein (p.Phe244Leu). This variant is present in population databases (rs377600235, gnomAD 0.02%). This variant has not been reported in the literature in individuals affected with SAG-related conditions. ClinVar contains an entry for this variant (Variation ID: 1053448). Invitae Evidence Modeling of protein sequence and biophysical properties (such as structural, functional, and spatial information, amino acid conservation, physicochemical variation, residue mobility, and thermodynamic stability) indicates that this missense variant is not expected to disrupt SAG protein function with a negative predictive value of 80%. In summary, the available evidence is currently insufficient to determine the role of this variant in disease. Therefore, it has been classified as a Variant of Uncertain Significance.